The following is an entry in ClinVar:

ClinVar aggregate classification (germline): Uncertain significance (1 of 4 stars; one submission).

Conditions:
Developmental and epileptic encephalopathy, 30 (DEE30). Also called: Epileptic encephalopathy, early infantile, 30. Identifiers: MedGen C4225360, MONDO:0014595, OMIM 616341.

Submission:

Labcorp Genetics (formerly Invitae), Labcorp
Classification: Uncertain significance for Developmental and epileptic encephalopathy, 30. Last evaluated: 2019-07-06. Review status: criteria provided, single submitter. Criteria: Invitae Variant Classification Sherloc (09022015). Collection method: clinical testing. Allele origin: germline.
Comment: In summary, the available evidence is currently insufficient to determine the role of this variant in disease. Therefore, it has been classified as a Variant of Uncertain Significance. Algorithms developed to predict the effect of sequence changes on RNA splicing suggest that this variant may create or strengthen a splice site, but this prediction has not been confirmed by published transcriptional studies. Algorithms developed to predict the effect of missense changes on protein structure and function output the following: SIFT: "Tolerated"; PolyPhen-2: "Benign"; Align-GVGD: "Class C0". The leucine amino acid residue is found in multiple mammalian species, suggesting that this missense change does not adversely affect protein function. These predictions have not been confirmed by published functional studies and their clinical significance is uncertain. This variant has not been reported in the literature in individuals with SIK1-related conditions. The frequency data for this variant in the population databases is considered unreliable, as metrics indicate insufficient coverage at this position in the ExAC database. This sequence change replaces phenylalanine with leucine at codon 684 of the SIK1 protein (p.Phe684Leu). The phenylalanine residue is weakly conserved and there is a small physicochemical difference between phenylalanine and leucine.

NM_173354.5(SIK1):c.2052T>A (p.Phe684Leu)

Gene: SIK1 (salt inducible kinase 1; minus strand). Cytogenetic location: 21q22.3.
Variant type: single nucleotide variant.
Coding change: c.2052T>A on transcript NM_173354.5 (MANE Select); coding-DNA position 2052, T replaced by A.
Protein change: p.Phe684Leu; replaces phenylalanine 684 with leucine.
Molecular consequence: missense variant.
Genome position (GRCh38, 1-based): chr21:43,417,042, A>T on the plus strand (T>A on the coding strand, the complement: SIK1 is on the minus strand). VCF-style: chr21-43417042-A-T. GRCh37 (hg19) VCF-style: chr21-44836922-A-T.
Other names: short protein forms F684L.
Identifiers: ClinVar variation 948606 (VCV000948606.10), dbSNP rs929370860, ClinGen allele CA410606749.